The following is an entry in ClinVar:

ClinVar aggregate classification (germline): Uncertain significance. Review status: criteria provided, multiple submitters, no conflicts (2 of 4 stars). 3 submissions from 3 submitters: Uncertain significance (3). Last evaluated 2023-01-26.

Conditions:
Inborn genetic diseases. Identifiers: MedGen C0950123, MeSH D030342.
GM1 gangliosidosis. Identifiers: Orphanet 354, MedGen C0085131, MONDO:0018149.
Mucopolysaccharidosis, MPS-IV-B (MPS4B). Also called: Mucopolysaccharidosis type IV B; MORQUIO SYNDROME B; Mucopolysaccharidosis type 4B; Mucopolysaccharidosis type IVB (Morquio); MPS IVB; Mucopolysaccharidosis Type IVB (Morquio B Disease). Identifiers: Orphanet 309310, Orphanet 582, MedGen C0086652, MONDO:0009660, OMIM 253010.

Allele frequency attached by ClinVar (database versions not stated): gnomAD exomes below 0.00001.
gnomAD v4.1: 4 of 1,613,960 alleles (0.00025%); highest among the groups gnomAD compares: African/African-American, 0.0027%; no homozygotes.

Submissions (3):

Blueprint Genetics
Classification: Uncertain significance. Last evaluated: 2023-01-26. Review status: criteria provided, single submitter. Criteria: ACMG Guidelines, 2015. Collection method: clinical testing. Allele origin: germline.

Ambry Genetics
Classification: Uncertain significance for Inborn genetic diseases. Last evaluated: 2022-08-01. Review status: criteria provided, single submitter. Criteria: Ambry Variant Classification Scheme 2023. Collection method: clinical testing. Allele origin: germline.

Labcorp Genetics (formerly Invitae), Labcorp
Classification: Uncertain significance for Mucopolysaccharidosis, MPS-IV-B; GM1 gangliosidosis. Last evaluated: 2022-07-26. Review status: criteria provided, single submitter. Criteria: Invitae Variant Classification Sherloc (09022015). Collection method: clinical testing. Allele origin: germline.
Comment: This sequence change replaces alanine, which is neutral and non-polar, with threonine, which is neutral and polar, at codon 340 of the GLB1 protein (p.Ala340Thr). This variant is not present in population databases (gnomAD no frequency). This variant has not been reported in the literature in individuals affected with GLB1-related conditions. Advanced modeling of protein sequence and biophysical properties (such as structural, functional, and spatial information, amino acid conservation, physicochemical variation, residue mobility, and thermodynamic stability) performed at Invitae indicates that this missense variant is expected to disrupt GLB1 protein function. In summary, the available evidence is currently insufficient to determine the role of this variant in disease. Therefore, it has been classified as a Variant of Uncertain Significance.

NM_000404.4(GLB1):c.1018G>A (p.Ala340Thr)

Gene: GLB1 (galactosidase beta 1; minus strand). Cytogenetic location: 3p22.3.
Variant type: single nucleotide variant.
Coding change: c.1018G>A on transcript NM_000404.4 (MANE Select); coding-DNA position 1018, G replaced by A.
Protein change: p.Ala340Thr; replaces alanine 340 with threonine.
Molecular consequence: missense variant.
Genome position (GRCh38, 1-based): chr3:33,046,170, C>T on the plus strand (G>A on the coding strand, the complement: GLB1 is on the minus strand). VCF-style: chr3-33046170-C-T. GRCh37 (hg19) VCF-style: chr3-33087662-C-T.
Other names: c.928G>A, p.Ala310Thr (NM_001079811.3); c.625G>A, p.Ala209Thr (NM_001135602.3); c.1162G>A, p.Ala388Thr (NM_001317040.2); c.1018G>A, p.Ala340Thr (NM_001393580.1); short protein forms A209T, A340T, A388T, A310T.
Identifiers: ClinVar variation 2063405 (VCV002063405.3), dbSNP rs1698731710, ClinGen allele CA351999344.